The following is an entry in ClinVar:

ClinVar aggregate classification (germline): Pathogenic. Review status: reviewed by expert panel (3 of 4 stars). 79 submissions from 64 submitters: Pathogenic (1). 78 of the submissions do not count toward it. Last evaluated 2025-10-28.

Conditions:
Autosomal recessive ABCA4-related disorders.
Paediatric disorders.
Retinal disorder. Also called: Retinopathies; Retinal Diseases; Retinal disorders; Retinopathy. Identifiers: MedGen C0035309, MONDO:0005283, HP:0000488.
ABCA4-related retinopathy. Also called: ABCA4 retinoapthy; ABCA4-related retinoapthy. Identifiers: MedGen CN322612, MONDO:0800406.
Syndromic retinitis pigmentosa. Identifiers: Orphanet 98661, MedGen C5680332, MONDO:0020240.
ABCA4-related disorder. Also called: ABCA4-related disorders; ABCA4-related condition. Identifiers: MedGen CN239167.
Cone-rod dystrophy 3 (CORD3). Identifiers: Orphanet 1872, MedGen C1858806, MONDO:0011395, OMIM 604116.
Retinitis pigmentosa 19 (RP19). Also called: ABCA4-Related Retinitis Pigmentosa. Identifiers: Orphanet 791, MedGen C1866422, MONDO:0011137, OMIM 601718.
Severe early-childhood-onset retinal dystrophy (STGD1). Also called: MACULAR DYSTROPHY WITH FLECKS, TYPE 1; Stargardt macular dystrophy; Juvenile onset macular degeneration; Stargardt disease 1; STGD. Identifiers: Orphanet 364055, Orphanet 827, MedGen C1855465, MeSH D000080362, MONDO:0009549, OMIM 248200.
Macular dystrophy. Identifiers: MedGen C0730292, HP:0007754.
Inborn genetic diseases. Identifiers: MedGen C0950123, MeSH D030342.
Retinal dystrophy. Also called: Inherited retinal dystrophy. Identifiers: Orphanet 71862, MedGen C0854723, MeSH D058499, MONDO:0019118, HP:0000556.
Age related macular degeneration 2. Also called: MACULAR DEGENERATION, SENILE; MACULOPATHY, AGE-RELATED, 2; MACULOPATHY, AGE-RELATED. Identifiers: MedGen C3495438, MONDO:0007932, OMIM 153800.
Retinitis pigmentosa (RP). Identifiers: Orphanet 791, MedGen C0035334, MeSH D012174, MONDO:0019200, OMIM 268000. Inheritance: Autosomal dominant, autosomal recessive and X linked inheritance.
Stargardt disease (FFM). Also called: Stargardt's disease; Fundus flavimaculatus. Identifiers: Orphanet 827, MedGen C0271093, MONDO:0019353.
MACULAR DEGENERATION, AGE-RELATED, 2, SUSCEPTIBILITY TO.
Cone dystrophy. Identifiers: Orphanet 1871, MedGen C0730290, MONDO:0000455.

Allele frequency attached by ClinVar (database versions not stated): 1000 Genomes Project 0.00319; ExAC 0.00505; TOPMed 0.00284; gnomAD exomes 0.00470 and 0.00335; gnomAD 0.00269 and 0.00310; 1000 Genomes Project 30x 0.00281.
gnomAD v4.1: 5,498 of 1,614,012 alleles (0.34%); highest among the groups gnomAD compares: Middle Eastern, 2.1%; 44 homozygotes.

Submissions 1 to 6 of 79:

ClinGen ABCA4 Variant Curation Expert Panel, Clingen
Classification: Pathogenic for ABCA4-related retinopathy. Last evaluated: 2025-10-28. Review status: reviewed by expert panel. Criteria: ClinGen ABCA4 ACMG Specifications V1.0.0. Collection method: curation. Allele origin: germline. Inheritance: Autosomal recessive inheritance.
Comment: The NM_000350.3:c.5882G>A variant in ABCA4 is a missense variant predicted to cause substitution of glycine by glutamine at amino acid 1961 (p.Gly1961Glu). The computational predictor REVEL gives a score of 0.76, which is in the range of 0.644-0.772, evidence that predicts a damaging effect on ABCA4 function (PP3). This variant has been detected in hundreds of individuals with Stargardt disease (PMIDs: 29925512, 33909047). At least seven individuals were homozygous for the variant and at least three were compound heterozygous for the variant and another pathogenic variant in ABCA4, as confirmed in trans by parental testing (PMIDs: 25922843, 33909047; PM3_Very Strong). At least one patient with this variant displayed presence of at least two ABCA4 variants, onset under 18 years of age, macular flecks on imaging, macular atrophy, central scotoma, choriocapillaris atrophy, and severely reduced visual acuity, which is highly specific for ABCA4-related retinopathy (PMID: 22661473; PP4). The variant has been reported to segregate with ABCA4-related retinopathy in affected individuals across at least six families. (PMIDs: 16896346, 19217903, 23769331, 31318848; PP1_Strong). The prevalence of the variant in affected individuals is significantly increased compared with the prevalence in controls. The odds ratio is 27.8 and the confidence interval is 24.81 to 31.13, which is above the ABCA4 VCEP threshold of ≥5, where the CI does not contain 1 (PMID: 35120629; PS4). Measurement of ATPase activity in ABCA4 mutant transfected HEK293 cells showed G1961E exhibiting a reduced basal ATPase activity when inhibited by retinal, an indication of this variant’s impact on protein function (PMID: 11017087; PS3_Supporting). Of note, this variant appears to be associated with a milder phenotype and may have no phenotype if inherited in a homozygous state with no other pathogenic ABCA4 variants (PMID: 38602673). In summary, this variant meets the criteria to be classified as Pathogenic for ABCA4-related retinopathy based on the ACMG/AMP criteria applied, as specified by the ClinGen ABCA4 VCEP (v.1.0.0): PM3_Very Strong, PP1_Strong, PS4, PP3, PP4, PS3_Supporting.

North West Genomic Laboratory Hub, Manchester University NHS Foundation Trust
Classification: Pathogenic for Paediatric disorders; Retinal disorders. Last evaluated: 2026-07-28. Review status: criteria provided, single submitter. Criteria: ACGS Best Practice Guidelines for Variant Classification in Rare Disease 2024. Collection method: clinical testing. Allele origin: germline. Affected: yes. Not counted in ClinVar's aggregate classification.
Comment: PP3_Supp PM3_VStr PM2_Supp

PreventionGenetics, part of Exact Sciences
Classification: Pathogenic for ABCA4-related condition. Last evaluated: 2026-07-20. Review status: criteria provided, single submitter. Criteria: ACMG Guidelines, 2015. Collection method: clinical testing. Allele origin: germline. Not counted in ClinVar's aggregate classification.
Comment: The ABCA4 c.5882G>A variant is predicted to result in the amino acid substitution p.Gly1961Glu. This variant has been reported many times in the compound heterozygous state in individuals with retinal dystrophy and has been associated with later-onset and milder retinal phenotypes (see for examples Cella et al. 2009. PubMed ID: 19217903; Lewis et al. 1999. PubMed ID: 9973280; Allikmets et al. 1997. PubMed ID: 9295268; Fujinami et al. 2013. PubMed ID: 23769331). This variant is documented with a global allele frequency of 0.46% in gnomAD and with the highest allele frequency of 2.3% in individuals of Ashkenazi Jewish descent, including several homozygotes. This allele frequency is relatively high and consistent with this variant causing a milder and later-onset retinal phenotype (Burke et al. 2012. PubMed ID: 22661473). However, when this variant is present in cis with other pathogenic ABCA4 variants as a complex allele, it has been reported to cause severe retinal phenotypes (Burke et al. 2012. PubMed ID: 22661473). Given the evidence, we interpret c.5882G>A (p.Gly1961Glu), both alone and as part of a complex allele, as pathogenic.

Institute of Human Genetics, University of Leipzig Medical Center
Classification: Pathogenic for Severe early-childhood-onset retinal dystrophy. Last evaluated: 2026-04-20. Review status: criteria provided, single submitter. Criteria: ACMG Guidelines, 2015. Collection method: clinical testing. Allele origin: unknown. Inheritance: Autosomal recessive inheritance. Affected: yes. Not counted in ClinVar's aggregate classification.
Comment: Criteria applied: PM3_VSTR,PS4,PP1_STR,PS3_SUP,PP3,PP4; Identified as compund heterozygous with NM_000350.3:c.2295T>G

CeGaT Center for Human Genetics Tuebingen
Classification: Pathogenic. Last evaluated: 2026-04-01. Review status: criteria provided, single submitter. Criteria: CeGaT Center For Human Genetics Tuebingen Variant Classification Criteria Version 2. Collection method: clinical testing. Allele origin: germline. Affected: yes. Observed: 66 variant alleles. Not counted in ClinVar's aggregate classification.
Comment: ABCA4: PM3:Very Strong, PP1:Strong, PM5, PM2:Supporting, PS3:Supporting

Women's Health and Genetics/Laboratory Corporation of America, LabCorp
Classification: Pathogenic for Stargardt disease. Last evaluated: 2026-03-06. Review status: criteria provided, single submitter. Criteria: LabCorp Variant Classification Summary - May 2015. Collection method: clinical testing. Allele origin: germline. Not counted in ClinVar's aggregate classification.
Comment: Variant summary: ABCA4 c.5882G>A (p.Gly1961Glu) results in a non-conservative amino acid change in the encoded protein sequence. Algorithms developed to predict the effect of missense changes on protein structure and function all suggest that this variant is likely to be disruptive. The variant allele was found at a frequency of 0.0047 in 251452 control chromosomes in the gnomAD database, including 9 homozygotes. The observed variant frequency exceeds the estimated maximal expected allele frequency for disease-causing variants in ABCA4. c.5882G>A has been observed in many compound heterozygous individuals affected with Stargardt Disease and studies suggest that it is associated with a milder phenotype (e.g. Stone_2017, Riera_2017, Nassisi_2018, Lee_2017). These data indicate that the variant is very likely to be associated with disease. At least one publication reports experimental evidence evaluating an impact on protein function. The most pronounced variant effect results in a moderate reduction of ATPase activity (e.g. Sun_2000, Garces_2018). The following publications have been ascertained in the context of this evaluation (PMID: 28559085, 28181551, 30060493, 28327576, 11017087, 29847635). ClinVar contains an entry for this variant (Variation ID: 7888). Based on the evidence outlined above, the variant was classified as pathogenic.

NM_000350.3(ABCA4):c.5882G>A (p.Gly1961Glu)

Gene: ABCA4 (ATP binding cassette subfamily A member 4; minus strand). Cytogenetic location: 1p22.1.
Variant type: single nucleotide variant.
Coding change: c.5882G>A on transcript NM_000350.3 (MANE Select); coding-DNA position 5882, G replaced by A.
Protein change: p.Gly1961Glu; replaces glycine 1961 with glutamic acid.
Molecular consequence: missense variant.
Genome position (GRCh38, 1-based): chr1:94,008,251, C>T on the plus strand (G>A on the coding strand, the complement: ABCA4 is on the minus strand). VCF-style: chr1-94008251-C-T. GRCh37 (hg19) VCF-style: chr1-94473807-C-T.
Other names: NM_000350.3(ABCA4):c.5882G>A; c.5660G>A, p.Gly1887Glu (NM_001425324.1); short protein forms G1961E, G1887E.
Identifiers: ClinVar variation 7888 (VCV000007888.141), dbSNP rs1800553, ClinGen allele CA119132.